The following is an entry in ClinVar:

ClinVar aggregate classification (germline): Uncertain significance (1 of 4 stars; one submission).

Conditions:
BBS9-related disorder. Also called: BBS9-related condition.

Submission:

PreventionGenetics, part of Exact Sciences
Classification: Uncertain significance for BBS9-related condition. Last evaluated: 2026-06-29. Review status: criteria provided, single submitter. Criteria: ACMG Guidelines, 2015. Collection method: clinical testing. Allele origin: germline.
Comment: The BBS9 c.378G>A variant is predicted to result in the amino acid substitution p.Met126Ile. To our knowledge, this variant has not been reported in the literature or in a large population database (gnomAD), indicating this variant is rare. At this time, the clinical significance of this variant is uncertain due to the absence of conclusive functional and genetic evidence.

NM_198428.3(BBS9):c.378G>A (p.Met126Ile)

Gene: BBS9 (Bardet-Biedl syndrome 9; plus strand). Cytogenetic location: 7p14.3.
Variant type: single nucleotide variant.
Coding change: c.378G>A on transcript NM_198428.3 (MANE Select); coding-DNA position 378, G replaced by A.
Protein change: p.Met126Ile; replaces methionine 126 with isoleucine.
Molecular consequence: missense variant. On other transcripts: non-coding transcript variant (3).
Genome position (GRCh38, 1-based): chr7:33,177,527, G>A. VCF-style: chr7-33177527-G-A. GRCh37 (hg19) VCF-style: chr7-33217139-G-A.
Other names: c.378G>A, p.Met126Ile (NM_001033604.2, NM_001033605.2, NM_001348036.1 and 5 more transcripts); c.12G>A, p.Met4Ile (NM_001348037.3, NM_001348044.3, NM_001348045.3 and 1 more transcripts); c.105G>A, p.Met35Ile (NM_001348038.3, NM_001348039.3); c.243G>A, p.Met81Ile (NM_001348042.3); short protein forms M81I, M4I, M126I, M35I.
Identifiers: ClinVar variation 4997258 (VCV004997258.1).
Genomic context (GRCh38, chr7:33,177,527, plus strand): 5'-TTTTTCCTTAGGAACCTTGGGTAATGTGGAACATGGGAACCAATGTCAGATGAAATTGAT[G>A]TATGAACATAATCTTCAGAGAACAGCCTGCAATATGACCTATGGATCATTTGGTGGTGTA-3'
Protein context (NP_940820.1, residues 116-136): EHGNQCQMKL[Met126Ile]YEHNLQRTAC